The following is an entry in ClinVar:

NM_003562.5(SLC25A11):c.917C>T (p.Ala306Val)

Gene: SLC25A11 (solute carrier family 25 member 11; minus strand). Cytogenetic location: 17p13.2.
Variant type: single nucleotide variant.
Coding change: c.917C>T on transcript NM_003562.5 (MANE Select); coding-DNA position 917, C replaced by T.
Protein change: p.Ala306Val; replaces alanine 306 with valine.
Molecular consequence: missense variant.
Genome position (GRCh38, 1-based): chr17:4,937,769, G>A on the plus strand (C>T on the coding strand, the complement: SLC25A11 is on the minus strand). VCF-style: chr17-4937769-G-A. GRCh37 (hg19) VCF-style: chr17-4841064-G-A.
Other names: c.884C>T, p.Ala295Val (NM_001165417.2); c.764C>T, p.Ala255Val (NM_001165418.2); short protein forms A306V, A255V, A295V.
Identifiers: ClinVar variation 3705586 (VCV003705586.2).

ClinVar aggregate classification (germline): Uncertain significance (1 of 4 stars; one submission).

Submission:

Labcorp Genetics (formerly Invitae), Labcorp
Classification: Uncertain significance. Last evaluated: 2024-11-19. Review status: criteria provided, single submitter. Criteria: Invitae Variant Classification Sherloc (09022015). Collection method: clinical testing. Allele origin: germline.
Comment: This sequence change replaces alanine, which is neutral and non-polar, with valine, which is neutral and non-polar, at codon 306 of the SLC25A11 protein (p.Ala306Val). This variant is not present in population databases (gnomAD no frequency). This variant has not been reported in the literature in individuals affected with SLC25A11-related conditions. Invitae Evidence Modeling of protein sequence and biophysical properties (such as structural, functional, and spatial information, amino acid conservation, physicochemical variation, residue mobility, and thermodynamic stability) indicates that this missense variant is not expected to disrupt SLC25A11 protein function with a negative predictive value of 80%. Algorithms developed to predict the effect of sequence changes on RNA splicing suggest that this variant may create or strengthen a splice site. In summary, the available evidence is currently insufficient to determine the role of this variant in disease. Therefore, it has been classified as a Variant of Uncertain Significance.